The following is an entry in ClinVar:

ClinVar aggregate classification (germline): Uncertain significance. Review status: criteria provided, multiple submitters, no conflicts (2 of 4 stars). 2 submissions from 2 submitters: Uncertain significance (2). Last evaluated 2022-08-01.

Conditions:
Congenital myasthenic syndrome 5. Identifiers: Orphanet 590, MedGen C1864233, MONDO:0011281, OMIM 603034.

Allele frequency attached by ClinVar (database versions not stated): ExAC 0.00002; gnomAD exomes below 0.00001; gnomAD 0.00002; TOPMed 0.00002.
gnomAD v4.1: 7 of 1,613,960 alleles (0.00043%); highest among the groups gnomAD compares: African/African-American, 0.004%; no homozygotes.

Submissions (2):

Labcorp Genetics (formerly Invitae), Labcorp
Classification: Uncertain significance for Congenital myasthenic syndrome 5. Last evaluated: 2022-08-01. Review status: criteria provided, single submitter. Criteria: Invitae Variant Classification Sherloc (09022015). Collection method: clinical testing. Allele origin: germline.
Comment: In summary, the available evidence is currently insufficient to determine the role of this variant in disease. Therefore, it has been classified as a Variant of Uncertain Significance. Algorithms developed to predict the effect of missense changes on protein structure and function are either unavailable or do not agree on the potential impact of this missense change (SIFT: "Deleterious"; PolyPhen-2: "Not Available"; Align-GVGD: "Class C35"). ClinVar contains an entry for this variant (Variation ID: 657237). This variant has not been reported in the literature in individuals affected with COLQ-related conditions. This variant is present in population databases (rs764737302, gnomAD 0.007%). This sequence change replaces arginine, which is basic and polar, with glutamine, which is neutral and polar, at codon 227 of the COLQ protein (p.Arg227Gln).

Neuberg Centre For Genomic Medicine, NCGM
Classification: Uncertain significance for Congenital myasthenic syndrome 5. Review status: criteria provided, single submitter. Criteria: ACMG Guidelines, 2015. Collection method: clinical testing. Allele origin: germline. Inheritance: Autosomal recessive inheritance. Affected: yes.
Comment: The missense variant c.680G>A (p.Arg227Gln) in COLQ gene has not been reported previously as a pathogenic variant nor as a benign variant, to our knowledge. The p.Arg227Gln variant is novel (not in any individuals) in 1000 Genomes and is present in the gnomAD exomes database with a frequency of 0.0004%. This variant has been reported to the ClinVar database as Uncertain Significance. The amino acid Arg at position 227 is changed to a Gln changing protein sequence and it might alter its composition and physico-chemical properties. The variant is predicted to be damaging by PolyPhen2 and the residue is conserved across species. The amino acid change p.Arg227Gln in COLQ is predicted as conserved by GERP++ and PhyloP across 100 vertebrates. For these reasons, this variant has been classified as Uncertain Significance.

NM_005677.4(COLQ):c.680G>A (p.Arg227Gln)

Gene: COLQ (collagen like tail subunit of asymmetric acetylcholinesterase; minus strand). Cytogenetic location: 3p25.1.
Variant type: single nucleotide variant.
Coding change: c.680G>A on transcript NM_005677.4 (MANE Select); coding-DNA position 680, G replaced by A.
Protein change: p.Arg227Gln; replaces arginine 227 with glutamine.
Molecular consequence: missense variant.
Genome position (GRCh38, 1-based): chr3:15,470,573, C>T on the plus strand (G>A on the coding strand, the complement: COLQ is on the minus strand). VCF-style: chr3-15470573-C-T. GRCh37 (hg19) VCF-style: chr3-15512080-C-T.
Other names: c.650G>A, p.Arg217Gln (NM_080538.2); c.578G>A, p.Arg193Gln (NM_080539.4); short protein forms R217Q, R193Q, R227Q.
Identifiers: ClinVar variation 657237 (VCV000657237.9), dbSNP rs764737302, ClinGen allele CA2276023.